The following is an entry in ClinVar:

ClinVar aggregate classification (germline): Uncertain significance (1 of 4 stars; one submission).

Submission:

Labcorp Genetics (formerly Invitae), Labcorp
Classification: Uncertain significance. Last evaluated: 2024-05-09. Review status: criteria provided, single submitter. Criteria: Invitae Variant Classification Sherloc (09022015). Collection method: clinical testing. Allele origin: germline.
Comment: This sequence change replaces valine, which is neutral and non-polar, with leucine, which is neutral and non-polar, at codon 957 of the GRM1 protein (p.Val957Leu). This variant is not present in population databases (gnomAD no frequency). This variant has not been reported in the literature in individuals affected with GRM1-related conditions. An algorithm developed to predict the effect of missense changes on protein structure and function (PolyPhen-2) suggests that this variant is likely to be tolerated. In summary, the available evidence is currently insufficient to determine the role of this variant in disease. Therefore, it has been classified as a Variant of Uncertain Significance.

NM_001278064.2(GRM1):c.2869G>T (p.Val957Leu)

Gene: GRM1 (glutamate metabotropic receptor 1; plus strand). Cytogenetic location: 6q24.3.
Variant type: single nucleotide variant.
Coding change: c.2869G>T on transcript NM_001278064.2 (MANE Select); coding-DNA position 2869, G replaced by T.
Protein change: p.Val957Leu; replaces valine 957 with leucine.
Molecular consequence: missense variant. On other transcripts: 3 prime UTR variant (3).
Genome position (GRCh38, 1-based): chr6:146,434,080, G>T. VCF-style: chr6-146434080-G-T. GRCh37 (hg19) VCF-style: chr6-146755216-G-T.
Other names: c.*233G>T (NM_001278065.2); c.*198G>T (NM_001278066.1); c.*107G>T (NM_001278067.1); short protein forms V957L.
Identifiers: ClinVar variation 3652780 (VCV003652780.2).